The following is an entry in ClinVar:

ClinVar aggregate classification (germline): Pathogenic. Review status: criteria provided, single submitter (1 of 4 stars). 3 submissions from 1 submitter: Pathogenic (1). 2 of the submissions do not count toward it. Last evaluated 2022-10-24.

Conditions:
Hereditary spastic paraplegia 30. Identifiers: Orphanet 101010, MedGen C5235139, MONDO:0012476.
Neuropathy, hereditary sensory, type 2C. Also called: Hereditary sensory and autonomic neuropathy type IIC; KIF1A-Related HSAN2 (HSAN2C). Identifiers: Orphanet 970, MedGen C3280168, MONDO:0013634, OMIM 614213.
Intellectual disability, autosomal dominant 9 (NESCAVS). Also called: NESCAV SYNDROME; KIF1A-Related Neurodevelopmental Disorder. Identifiers: Orphanet 662367, MedGen C5393830, MONDO:0013656, OMIM 614255.
D-2-hydroxyglutaric aciduria 1 (D2HGA1). Identifiers: Orphanet 79315, MedGen C3152055, MONDO:0024554, OMIM 600721.

Submissions (3):

Labcorp Genetics (formerly Invitae), Labcorp
Classification: Pathogenic for D-2-hydroxyglutaric aciduria 1. Last evaluated: 2022-10-24. Review status: criteria provided, single submitter. Criteria: Invitae Variant Classification Sherloc (09022015). Collection method: clinical testing. Allele origin: germline.
Comment: A gross deletion of the genomic region encompassing the full coding sequence of the D2HGDH gene has been identified. Loss-of-function variants in D2HGDH are known to be pathogenic (PMID: 16081310, 20020533, 21384162). The boundaries of this event are unknown as they extend beyond the assayed region for this gene and therefore may encompass additional genes. This variant has not been reported in the literature in individuals affected with D2HGDH-related conditions. For these reasons, this variant has been classified as Pathogenic.

Labcorp Genetics (formerly Invitae), Labcorp
Classification: Pathogenic for Hereditary spastic paraplegia 30; Neuropathy, hereditary sensory, type 2C; Intellectual disability, autosomal dominant 9. Last evaluated: 2022-10-24. Review status: flagged submission. Criteria: Invitae Variant Classification Sherloc (09022015). Collection method: clinical testing. Allele origin: germline. Not counted in ClinVar's aggregate classification.
Comment: A gross deletion of the genomic region encompassing the full coding sequence of the KIF1A gene has been identified. Loss-of-function variants in KIF1A are known to be pathogenic (PMID: 21820098). The boundaries of this event are unknown as they extend beyond the assayed region for this gene and therefore may encompass additional genes. Isolated whole-gene deletions of KIF1A have not been reported in the literature. However, larger copy number events that include this gene have been reported (PMID: 31488895). For these reasons, this variant has been classified as Pathogenic.
ClinVar note: Reason: This record appears to be redundant with a more recent record from the same submitter.
ClinVar note: Notes: SCV002238305 appears to be redundant with SCV003796832.

Labcorp Genetics (formerly Invitae), Labcorp
Classification: Uncertain significance. Last evaluated: 2021-12-15. Review status: flagged submission. Criteria: Invitae Variant Classification Sherloc (09022015). Collection method: clinical testing. Allele origin: germline. Not counted in ClinVar's aggregate classification.
Comment: A gross deletion of the genomic region encompassing the full coding sequence of the HDAC4 gene has been identified. The current clinical and genetic evidence is not sufficient to establish whether loss-of-function variants in HDAC4 cause disease. The boundaries of this event are unknown as they extend beyond the assayed region for this gene and therefore may encompass additional genes. Isolated whole-gene deletions of HDAC4 have not been reported in the literature. However, larger copy number events that include this gene have been reported (PMID: 20691407, 24715439, 30848064). In summary, the available evidence is currently insufficient to determine the role of this variant in disease. Therefore, it has been classified as a Variant of Uncertain Significance.
ClinVar note: Reason: This record appears to be redundant with a more recent record from the same submitter.
ClinVar note: Notes: SCV002186511 appears to be redundant with SCV003796832.

Literature cited by the submitters: PubMed 16081310; PubMed 20020533; PubMed 21384162; PubMed 21820098; PubMed 31488895; PubMed 20691407; PubMed 24715439; PubMed 30848064.

NC_000002.11:g.(?_238233417)_(242801596_?)del

Genes: GPC1 (glypican 1; plus strand), UBE2F (ubiquitin conjugating enzyme E2 F (putative); plus strand), PRR21 (proline rich 21; minus strand), RAB17 (RAB17, member RAS oncogene family; minus strand), RAMP1 (receptor activity modifying protein 1; plus strand) and 50 more. Cytogenetic location: 2q37.3.
Variant type: Deletion.
Identifiers: ClinVar variation 1411455 (VCV001411455.7).